The following is an entry in ClinVar:

NM_006118.4(HAX1):c.259G>C (p.Asp87His)

Gene: HAX1 (HCLS1 associated protein X-1; plus strand). Cytogenetic location: 1q21.3.
Variant type: single nucleotide variant.
Coding change: c.259G>C on transcript NM_006118.4 (MANE Select); coding-DNA position 259, G replaced by C.
Protein change: p.Asp87His; replaces aspartic acid 87 with histidine.
Molecular consequence: missense variant.
Genome position (GRCh38, 1-based): chr1:154,273,541, G>C. VCF-style: chr1-154273541-G-C. GRCh37 (hg19) VCF-style: chr1-154246017-G-C.
Other names: c.115G>C, p.Asp39His (NM_001018837.2); short protein forms D39H, D87H.
Identifiers: ClinVar variation 4033869 (VCV004033869.1).

ClinVar aggregate classification (germline): Uncertain significance (1 of 4 stars; one submission).

Conditions:
Inborn genetic diseases. Identifiers: MedGen C0950123, MeSH D030342.

Submission:

Ambry Genetics
Classification: Uncertain significance for Inborn genetic diseases. Last evaluated: 2025-05-31. Review status: criteria provided, single submitter. Criteria: Ambry Variant Classification Scheme 2023. Collection method: clinical testing. Allele origin: germline.
Comment: The p.D87H variant (also known as c.259G>C), located in coding exon 2 of the HAX1 gene, results from a G to C substitution at nucleotide position 259. The aspartic acid at codon 87 is replaced by histidine, an amino acid with similar properties. This amino acid position is conserved. In addition, the in silico prediction for this alteration is inconclusive. Based on the available evidence, the clinical significance of this variant remains unclear.